The following is an entry in ClinVar:

ClinVar aggregate classification (germline): Likely benign. Review status: criteria provided, multiple submitters, no conflicts (2 of 4 stars). 2 submissions from 2 submitters: Likely benign (2). Last evaluated 2025-11-01.

Conditions:
Benign neonatal seizures. Also called: Benign familial neonatal seizures; Benign neonatal familial convulsions; Benign familial neonatal epilepsy; Convulsions benign familial neonatal dominant form; Autosomal dominant form of benign neonatal seizures. Identifiers: Orphanet 1949, MedGen C0220669, MONDO:0016027.

Allele frequency attached by ClinVar (database versions not stated): TOPMed below 0.00001; gnomAD 0.00001; gnomAD exomes 0.00001.

Submissions (2):

CeGaT Center for Human Genetics Tuebingen
Classification: Likely benign. Last evaluated: 2025-11-01. Review status: criteria provided, single submitter. Criteria: CeGaT Center For Human Genetics Tuebingen Variant Classification Criteria Version 2. Collection method: clinical testing. Allele origin: germline. Affected: yes. Observed: 1 variant allele.
Comment: KCNQ3: BP4, BP7

Labcorp Genetics (formerly Invitae), Labcorp
Classification: Likely benign for Benign neonatal seizures. Last evaluated: 2024-12-07. Review status: criteria provided, single submitter. Criteria: Invitae Variant Classification Sherloc (09022015). Collection method: clinical testing. Allele origin: germline.

NM_004519.4(KCNQ3):c.39C>T (p.Gly13=)

Gene: KCNQ3 (potassium voltage-gated channel subfamily Q member 3; minus strand). Cytogenetic location: 8q24.22.
Variant type: single nucleotide variant.
Coding change: c.39C>T on transcript NM_004519.4 (MANE Select); coding-DNA position 39, C replaced by T.
Protein change: p.Gly13=; no amino-acid change (glycine 13 retained).
Molecular consequence: synonymous variant.
Genome position (GRCh38, 1-based): chr8:132,480,494, G>A on the plus strand (C>T on the coding strand, the complement: KCNQ3 is on the minus strand). VCF-style: chr8-132480494-G-A. GRCh37 (hg19) VCF-style: chr8-133492741-G-A.
Identifiers: ClinVar variation 471226 (VCV000471226.14), dbSNP rs1313781213, ClinGen allele CA463073068.